The following is an entry in ClinVar:

NM_003361.4(UMOD):c.1177T>C (p.Leu393=)

Gene: UMOD (uromodulin; minus strand). Cytogenetic location: 16p12.3.
Variant type: single nucleotide variant.
Coding change: c.1177T>C on transcript NM_003361.4 (MANE Select); coding-DNA position 1177, T replaced by C.
Protein change: p.Leu393=; no amino-acid change (leucine 393 retained).
Molecular consequence: synonymous variant. On other transcripts: non-coding transcript variant (1).
Genome position (GRCh38, 1-based): chr16:20,346,131, A>G on the plus strand (T>C on the coding strand, the complement: UMOD is on the minus strand). VCF-style: chr16-20346131-A-G. GRCh37 (hg19) VCF-style: chr16-20357453-A-G.
Other names: c.1177T>C, p.Leu393= (NM_001008389.3, NM_001378232.1, NM_001378233.1 and 3 more transcripts); c.1276T>C, p.Leu426= (NM_001278614.2).
Identifiers: ClinVar variation 318291 (VCV000318291.8), dbSNP rs748849021, ClinGen allele CA7939279.

ClinVar aggregate classification (germline): Benign (1 of 4 stars; one submission).

Conditions:
Familial juvenile hyperuricemic nephropathy type 1 (ADTKD1). Also called: Glomerulocystic kidney disease with hyperuricemia and isosthenuria; Medullary cystic kidney disease 2; Autosomal Dominant Tubulointerstitial Kidney Disease – UMOD; UMOD-Associated Kidney Disease; Uromodulin-associated kidney disease. Identifiers: Orphanet 209886, Orphanet 34149, Orphanet 88950, MedGen C4551496, MONDO:0008073, OMIM 162000.

Allele frequency attached by ClinVar (database versions not stated): gnomAD exomes 0.00002 and 0.00004; ExAC 0.00005.
gnomAD v4.1: 27 of 1,613,810 alleles (0.0017%); highest among the groups gnomAD compares: East Asian, 0.06%; no homozygotes.

Submission:

Illumina Laboratory Services, Illumina
Classification: Benign for UMOD-Associated Kidney Disease. Last evaluated: 2018-01-12. Review status: criteria provided, single submitter. Criteria: ICSL Variant Classification Criteria 13 December 2019. Collection method: clinical testing. Allele origin: germline.
Comment: This variant was observed in the ICSL laboratory as part of a predisposition screen in an ostensibly healthy population. It had not been previously curated by ICSL or reported in the Human Gene Mutation Database (HGMD: prior to June 1st, 2018), and was therefore a candidate for classification through an automated scoring system. Utilizing variant allele frequency, disease prevalence and penetrance estimates, and inheritance mode, an automated score was calculated to assess if this variant is too frequent to cause the disease. Based on the score and internal cut-off values, a variant classified as benign is not then subjected to further curation. The score for this variant resulted in a classification of benign for this disease.